The following is an entry in ClinVar:

ClinVar aggregate classification (germline): Uncertain significance. Review status: reviewed by expert panel (3 of 4 stars). 4 submissions from 4 submitters: Uncertain significance (1). 3 of the submissions do not count toward it. Last evaluated 2024-08-12.

Conditions:
Acute myeloid leukemia (AML). Also called: Acute myeloid leukemia, adult; AML adult; Acute non-lymphocytic leukemia; Acute granulocytic leukemia; Leukemia, acute myelogenous, somatic; Leukemia, acute myeloid, somatic. Identifiers: Orphanet 519, MedGen C0023467, MeSH D015470, MONDO:0018874, OMIM 601626, HP:0004808. Disease mechanism: Constitutively activated FLT3.
Hereditary thrombocytopenia and hematologic cancer predisposition syndrome. Identifiers: Orphanet 71290, MedGen CN281654, MONDO:0011071.
Hereditary thrombocytopenia and hematological cancer predisposition syndrome associated with RUNX1. Also called: Familial Platelet Disorder with Propensity to Acute Myelogenous Leukemia; Familial thrombocytopenia with propensity to acute myelogenous leukemia; PLATELET DISORDER, ASPIRIN-LIKE; RUNX1 Familial Platelet Disorder with Associated Myeloid Malignancies. Identifiers: Orphanet 71290, MedGen C1832388, MeSH C563324, MONDO:0100083, OMIM 601399.
Inborn genetic diseases. Identifiers: MedGen C0950123, MeSH D030342.

Allele frequency attached by ClinVar (database versions not stated): ExAC 0.00002; gnomAD 0.00002 and 0.00003; TOPMed 0.00002; ESP Exome Variant Server 0.00015.
gnomAD v4.1: 14 of 1,614,074 alleles (0.00087%); highest among the groups gnomAD compares: African/African-American, 0.0067%; no homozygotes.

Submissions (4):

ClinGen Myeloid Malignancy Variant Curation Expert Panel
Classification: Uncertain significance for Hereditary thrombocytopenia and hematologic cancer predisposition syndrome. Last evaluated: 2024-08-12. Review status: reviewed by expert panel. Criteria: ClinGen MyeloMalig ACMG Specifications v2. Collection method: curation. Allele origin: germline. Inheritance: Autosomal dominant inheritance.
Comment: NM_001754.5(RUNX1):c.872T>C (p.Ile291Thr) is a missense variant which is reported at a MAF of 0.00007236 (0.007%, 3/41460 alleles) in the African/African American sub-population of the gnomAD v3.1.2 cohort and does not meet the threshold for BA1 (≥0.0015) or BS1 (0.00015 - 0.0015). The variant has a REVEL score of 0.228, which meets the threshold for BP4 (<0.50). In summary, the clinical significance of this variant is uncertain. ACMG/AMP criteria applied, as specified by the Myeloid Malignancy Variant Curation Expert Panel for RUNX1: BP4.

Ambry Genetics
Classification: Uncertain significance for Inborn genetic diseases. Last evaluated: 2024-11-24. Review status: criteria provided, single submitter. Criteria: Ambry Variant Classification Scheme 2023. Collection method: clinical testing. Allele origin: germline. Not counted in ClinVar's aggregate classification.
Comment: The p.I291T variant (also known as c.872T>C), located in coding exon 7 of the RUNX1 gene, results from a T to C substitution at nucleotide position 872. The isoleucine at codon 291 is replaced by threonine, an amino acid with similar properties. This amino acid position is conserved. In addition, the in silico prediction for this alteration is inconclusive. Based on the available evidence, the clinical significance of this variant remains unclear.

Labcorp Genetics (formerly Invitae), Labcorp
Classification: Uncertain significance for Hereditary thrombocytopenia and hematological cancer predisposition syndrome associated with RUNX1. Last evaluated: 2024-09-16. Review status: criteria provided, single submitter. Criteria: Invitae Variant Classification Sherloc (09022015). Collection method: clinical testing. Allele origin: germline. Not counted in ClinVar's aggregate classification.
Comment: This sequence change replaces isoleucine, which is neutral and non-polar, with threonine, which is neutral and polar, at codon 291 of the RUNX1 protein (p.Ile291Thr). This variant is present in population databases (rs371026644, gnomAD 0.008%). This variant has not been reported in the literature in individuals affected with RUNX1-related conditions. ClinVar contains an entry for this variant (Variation ID: 1036141). Invitae Evidence Modeling of protein sequence and biophysical properties (such as structural, functional, and spatial information, amino acid conservation, physicochemical variation, residue mobility, and thermodynamic stability) indicates that this missense variant is not expected to disrupt RUNX1 protein function with a negative predictive value of 80%. In summary, the available evidence is currently insufficient to determine the role of this variant in disease. Therefore, it has been classified as a Variant of Uncertain Significance.

Baylor Genetics
Classification: Uncertain significance for Acute myeloid leukemia. Last evaluated: 2023-12-14. Review status: criteria provided, single submitter. Criteria: ACMG Guidelines, 2015. Collection method: clinical testing. Allele origin: unknown. Not counted in ClinVar's aggregate classification.

NM_001754.5(RUNX1):c.872T>C (p.Ile291Thr)

Gene: RUNX1 (RUNX family transcription factor 1; minus strand). Cytogenetic location: 21q22.12.
Variant type: single nucleotide variant.
Coding change: c.872T>C on transcript NM_001754.5 (MANE Select); coding-DNA position 872, T replaced by C.
Protein change: p.Ile291Thr; replaces isoleucine 291 with threonine.
Molecular consequence: missense variant.
Genome position (GRCh38, 1-based): chr21:34,799,396, A>G on the plus strand (T>C on the coding strand, the complement: RUNX1 is on the minus strand). VCF-style: chr21-34799396-A-G. GRCh37 (hg19) VCF-style: chr21-36171693-A-G.
Other names: NM_001754.5(RUNX1):c.872T>C; p.Ile291Thr; c.791T>C, p.Ile264Thr (NM_001001890.3); c.872T>C (NM_001754.4); short protein forms I264T, I291T.
Identifiers: ClinVar variation 1036141 (VCV001036141.9), dbSNP rs371026644, ClinGen allele CA10014278.